The following is an entry in ClinVar:

NM_001792.5(CDH2):c.1927T>G (p.Leu643Val)

Gene: CDH2 (cadherin 2; minus strand). Cytogenetic location: 18q12.1.
Variant type: single nucleotide variant.
Coding change: c.1927T>G on transcript NM_001792.5 (MANE Select); coding-DNA position 1927, T replaced by G.
Protein change: p.Leu643Val; replaces leucine 643 with valine.
Molecular consequence: missense variant.
Genome position (GRCh38, 1-based): chr18:27,985,576, A>C on the plus strand (T>G on the coding strand, the complement: CDH2 is on the minus strand). VCF-style: chr18-27985576-A-C. GRCh37 (hg19) VCF-style: chr18-25565540-A-C.
Other names: c.1834T>G, p.Leu612Val (NM_001308176.2); short protein forms L643V, L612V.
Identifiers: ClinVar variation 1782793 (VCV001782793.8), dbSNP rs199678478, ClinGen allele CA8923279.
Genomic context (GRCh38, chr18:27,985,576, plus strand): 5'-ACCTGTTCTTACCATTAAGCCGAGTGATGGTCCAATTTCTCTTAATAGTCACTGGAGATA[A>C]AGGAAGATCAAAAGCAAATGGTCCAGCATTTGGATCAATGTCATAATCAAGTGCTGTAAT-3'
Protein context (NP_001783.2, residues 633-653): NAGPFAFDLP[Leu643Val]SPVTIKRNWT

ClinVar aggregate classification (germline): Uncertain significance. Review status: criteria provided, multiple submitters, no conflicts (2 of 4 stars). 2 submissions from 2 submitters: Uncertain significance (2). Last evaluated 2024-11-13.

Conditions:
Inborn genetic diseases. Identifiers: MedGen C0950123, MeSH D030342.

Allele frequency attached by ClinVar (database versions not stated): gnomAD exomes 0.00001; TOPMed 0.00001; ExAC 0.00002; gnomAD 0.00003; 1000 Genomes Project 30x 0.00016; 1000 Genomes Project 0.00020.
gnomAD v4.1: 14 of 1,613,924 alleles (0.00087%); highest among the groups gnomAD compares: East Asian, 0.013%; no homozygotes.

Submissions (2):

Ambry Genetics
Classification: Uncertain significance for Inborn genetic diseases. Last evaluated: 2024-11-13. Review status: criteria provided, single submitter. Criteria: Ambry Variant Classification Scheme 2023. Collection method: clinical testing. Allele origin: germline.

Labcorp Genetics (formerly Invitae), Labcorp
Classification: Uncertain significance. Last evaluated: 2024-10-07. Review status: criteria provided, single submitter. Criteria: Invitae Variant Classification Sherloc (09022015). Collection method: clinical testing. Allele origin: germline.
Comment: This sequence change replaces leucine, which is neutral and non-polar, with valine, which is neutral and non-polar, at codon 643 of the CDH2 protein (p.Leu643Val). This variant is present in population databases (rs199678478, gnomAD 0.03%). This variant has not been reported in the literature in individuals affected with CDH2-related conditions. ClinVar contains an entry for this variant (Variation ID: 1782793). An algorithm developed to predict the effect of missense changes on protein structure and function (PolyPhen-2) suggests that this variant is likely to be tolerated. In summary, the available evidence is currently insufficient to determine the role of this variant in disease. Therefore, it has been classified as a Variant of Uncertain Significance.